The following is an entry in ClinVar:

NM_001614.5(ACTG1):c.327C>T (p.Pro109=)

Gene: ACTG1 (actin gamma 1; minus strand). Cytogenetic location: 17q25.3.
Variant type: single nucleotide variant.
Coding change: c.327C>T on transcript NM_001614.5 (MANE Select); coding-DNA position 327, C replaced by T.
Protein change: p.Pro109=; no amino-acid change (proline 109 retained).
Molecular consequence: synonymous variant. On other transcripts: non-coding transcript variant (1).
Genome position (GRCh38, 1-based): chr17:81,511,939, G>A on the plus strand (C>T on the coding strand, the complement: ACTG1 is on the minus strand). VCF-style: chr17-81511939-G-A. GRCh37 (hg19) VCF-style: chr17-79478965-G-A.
Other names: c.327C>T, p.Pro109= (NM_001199954.3).
Identifiers: ClinVar variation 1704921 (VCV001704921.3), dbSNP rs1555667054, ClinGen allele CA502419595.

ClinVar aggregate classification (germline): Conflicting classifications of pathogenicity. Review status: criteria provided, conflicting classifications (1 of 4 stars). 2 submissions from 2 submitters: Uncertain significance (1); Likely benign (1). Last evaluated 2026-04-21.

Allele frequency attached by ClinVar (database versions not stated): TOPMed 0.00001.
gnomAD v4.1: 14 of 1,613,974 alleles (0.00087%); highest among the groups gnomAD compares: African/African-American, 0.004%; no homozygotes.

Submissions (2):

Women's Health and Genetics/Laboratory Corporation of America, LabCorp
Classification: Likely benign. Last evaluated: 2026-04-21. Review status: criteria provided, single submitter. Criteria: LabCorp Variant Classification Summary - May 2015. Collection method: clinical testing. Allele origin: germline.

GeneDx
Classification: Uncertain significance. Last evaluated: 2022-03-07. Review status: criteria provided, single submitter. Criteria: GeneDx Variant Classification Process June 2021. Collection method: clinical testing. Allele origin: germline. Affected: yes.
Comment: In silico analysis supports that this variant does not alter splicing; Has not been previously published as pathogenic or benign to our knowledge